The following is an entry in ClinVar:

NM_005204.4(MAP3K8):c.998G>A (p.Arg333His)

Gene: MAP3K8 (mitogen-activated protein kinase kinase kinase 8; plus strand). Cytogenetic location: 10p11.23.
Variant type: single nucleotide variant.
Coding change: c.998G>A on transcript NM_005204.4 (MANE Select); coding-DNA position 998, G replaced by A.
Protein change: p.Arg333His; replaces arginine 333 with histidine.
Molecular consequence: missense variant.
Genome position (GRCh38, 1-based): chr10:30,458,208, G>A. VCF-style: chr10-30458208-G-A. GRCh37 (hg19) VCF-style: chr10-30747137-G-A.
Other names: c.998G>A, p.Arg333His (NM_001244134.1, NM_001320961.2); short protein forms R333H.
Identifiers: ClinVar variation 2709366 (VCV002709366.3), dbSNP rs1170356333, ClinGen allele CA376431630.

ClinVar aggregate classification (germline): Uncertain significance (1 of 4 stars; one submission).

Allele frequency attached by ClinVar (database versions not stated): gnomAD exomes below 0.00001.

Submission:

Labcorp Genetics (formerly Invitae), Labcorp
Classification: Uncertain significance. Last evaluated: 2024-01-14. Review status: criteria provided, single submitter. Criteria: Invitae Variant Classification Sherloc (09022015). Collection method: clinical testing. Allele origin: germline.
Comment: This sequence change replaces arginine, which is basic and polar, with histidine, which is basic and polar, at codon 333 of the MAP3K8 protein (p.Arg333His). The frequency data for this variant in the population databases is considered unreliable, as metrics indicate poor data quality at this position in the gnomAD database. This variant has not been reported in the literature in individuals affected with MAP3K8-related conditions. An algorithm developed to predict the effect of missense changes on protein structure and function (PolyPhen-2) suggests that this variant is likely to be disruptive. In summary, the available evidence is currently insufficient to determine the role of this variant in disease. Therefore, it has been classified as a Variant of Uncertain Significance.